The following is an entry in ClinVar:

NM_002485.5(NBN):c.321A>G (p.Arg107=)

Gene: NBN (nibrin; minus strand). Cytogenetic location: 8q21.3.
Variant type: single nucleotide variant.
Coding change: c.321A>G on transcript NM_002485.5 (MANE Select); coding-DNA position 321, A replaced by G.
Protein change: p.Arg107=; no amino-acid change (arginine 107 retained).
Molecular consequence: synonymous variant.
Genome position (GRCh38, 1-based): chr8:89,980,893, T>C on the plus strand (A>G on the coding strand, the complement: NBN is on the minus strand). VCF-style: chr8-89980893-T-C. GRCh37 (hg19) VCF-style: chr8-90993121-T-C.
Other names: c.75A>G, p.Arg25= (NM_001024688.3).
Identifiers: ClinVar variation 964260 (VCV000964260.9), dbSNP rs1812034788, ClinGen allele CA461831421.

ClinVar aggregate classification (germline): Uncertain significance (1 of 4 stars; one submission).

Conditions:
Microcephaly, normal intelligence and immunodeficiency (NBS). Also called: Nijmegen breakage syndrome; Microcephaly with normal intelligence immunodeficiency and lymphoreticular malignancies; Nonsyndromal microcephaly autosomal recessive with normal intelligence; Seemanova syndrome 2; IMMUNODEFICIENCY, MICROCEPHALY, AND CHROMOSOMAL INSTABILITY; Ataxia telangiectasia variant V1. Identifiers: Orphanet 647, MedGen C0398791, MONDO:0009623, OMIM 251260.

Allele frequency attached by ClinVar (database versions not stated): gnomAD exomes below 0.00001.

Submission:

Labcorp Genetics (formerly Invitae), Labcorp
Classification: Uncertain significance for Microcephaly, normal intelligence and immunodeficiency. Last evaluated: 2019-11-06. Review status: criteria provided, single submitter. Criteria: Invitae Variant Classification Sherloc (09022015). Collection method: clinical testing. Allele origin: germline.
Comment: In summary, the available evidence is currently insufficient to determine the role of this variant in disease. Therefore, it has been classified as a Variant of Uncertain Significance. Algorithms developed to predict the effect of sequence changes on RNA splicing suggest that this variant is not likely to affect RNA splicing, but this prediction has not been confirmed by published transcriptional studies. This variant has not been reported in the literature in individuals with NBN-related conditions. This variant is not present in population databases (ExAC no frequency). This sequence change affects codon 107 of the NBN mRNA. It is a 'silent' change, meaning that it does not change the encoded amino acid sequence of the NBN protein.